The following is an entry in ClinVar:

ClinVar aggregate classification (germline): Benign. Review status: criteria provided, multiple submitters, no conflicts (2 of 4 stars). 2 submissions from 2 submitters: Benign (2). Last evaluated 2022-07-01.

Conditions:
Melanoma, cutaneous malignant, susceptibility to, 3. Also called: Cutaneous malignant melanoma 3. Identifiers: Orphanet 618, MedGen C1836892, MONDO:0012183, OMIM 609048.

Allele frequency attached by ClinVar (database versions not stated): 1000 Genomes Project 0.00100; 1000 Genomes Project 30x 0.00141; TOPMed 0.00158; gnomAD 0.00182 and 0.00188; gnomAD exomes 0.00213.
gnomAD v4.1: 481 of 250,036 alleles (0.19%); highest among the groups gnomAD compares: Non-Finnish European, 0.3%; 1 homozygote.

Submissions (2):

CeGaT Center for Human Genetics Tuebingen
Classification: Benign. Last evaluated: 2022-07-01. Review status: criteria provided, single submitter. Criteria: CeGaT Center For Human Genetics Tuebingen Variant Classification Criteria Version 2. Collection method: clinical testing. Allele origin: germline. Affected: yes. Observed: 1 variant allele.
Comment: CDK4: BS1, BS2

Illumina Laboratory Services, Illumina
Classification: Benign for Melanoma, cutaneous malignant, susceptibility to, 3. Last evaluated: 2018-01-13. Review status: criteria provided, single submitter. Criteria: ICSL Variant Classification Criteria 13 December 2019. Collection method: clinical testing. Allele origin: germline.
Comment: This variant was observed in the ICSL laboratory as part of a predisposition screen in an ostensibly healthy population. It had not been previously curated by ICSL or reported in the Human Gene Mutation Database (HGMD: prior to June 1st, 2018), and was therefore a candidate for classification through an automated scoring system. Utilizing variant allele frequency, disease prevalence and penetrance estimates, and inheritance mode, an automated score was calculated to assess if this variant is too frequent to cause the disease. Based on the score and internal cut-off values, a variant classified as benign is not then subjected to further curation. The score for this variant resulted in a classification of benign for this disease.

NM_000075.4(CDK4):c.-60C>G

Gene: CDK4 (cyclin dependent kinase 4; minus strand). Cytogenetic location: 12q14.1.
Variant type: single nucleotide variant.
Coding change: c.-60C>G on transcript NM_000075.4 (MANE Select); 60 bases upstream of the start codon, C replaced by G.
Molecular consequence: 5 prime UTR variant.
Genome position (GRCh38, 1-based): chr12:57,752,215, G>C on the plus strand (C>G on the coding strand, the complement: CDK4 is on the minus strand). VCF-style: chr12-57752215-G-C. GRCh37 (hg19) VCF-style: chr12-58145998-G-C.
Identifiers: ClinVar variation 309983 (VCV000309983.29), dbSNP rs541752163, ClinGen allele CA10633364.